The following is an entry in ClinVar:

ClinVar aggregate classification (germline): Likely pathogenic. Review status: reviewed by expert panel (3 of 4 stars). 15 submissions from 15 submitters: Likely pathogenic (1). 14 of the submissions do not count toward it. Last evaluated 2019-06-21.

Conditions:
Inherited MMR deficiency (Lynch syndrome).
Lynch-like syndrome.
Hereditary nonpolyposis colon cancer (HNPCC). Also called: Hereditary Nonpolyposis Colorectal Cancer Syndrome; Hereditary nonpolyposis colorectal cancer; Familial nonpolyposis colon cancer. Identifiers: Orphanet 443909, MedGen C1333990, MONDO:0018630. Disease mechanism: loss of function.
Hereditary nonpolyposis colorectal neoplasms. Identifiers: MedGen C0009405, MeSH D003123.
Hereditary cancer-predisposing syndrome. Also called: Hereditary Cancer Syndrome; Tumor predisposition; Neoplastic Syndromes, Hereditary; Hereditary neoplastic syndrome. Identifiers: Orphanet 140162, MedGen C0027672, MeSH D009386, MONDO:0015356.
Lynch syndrome. Identifiers: Orphanet 144, MedGen C4552100, MONDO:0005835. Disease mechanism: loss of function.
Lynch syndrome 5 (LYNCH5). Also called: Hereditary non-polyposis colorectal cancer, type 5; Colorectal cancer, hereditary nonpolyposis, type 5. Identifiers: Orphanet 144, MedGen C1833477, MONDO:0013710, OMIM 614350. Disease mechanism: loss of function.
Endometrial carcinoma. Also called: Endometrial carcinoma, somatic. Identifiers: MedGen C0476089, MONDO:0002447, OMIM 608089, HP:0012114.

Submissions 1 to 10 of 15:

International Society for Gastrointestinal Hereditary Tumours (InSiGHT)
Classification: Likely pathogenic for Lynch syndrome. Last evaluated: 2019-06-21. Review status: reviewed by expert panel. Criteria: Guidelines v2.4. Collection method: curation. Allele origin: germline. Affected: yes.
Comment: Multifactorial likelihood analysis posterior probability 0.95-0.99

Genetics Laboratory, Great Ormond Street Hospital NHS Foundation Trust, North Thames Genomic Laboratory Hub
Classification: Likely pathogenic for Inherited MMR deficiency (Lynch syndrome). Last evaluated: 2026-01-26. Review status: criteria provided, single submitter. Criteria: CanVIG MMR Gene Specific V1.7. Collection method: clinical testing. Allele origin: germline. Affected: yes. Not counted in ClinVar's aggregate classification.
Comment: PS4_supporting, PM2_supporting, PP4_strong

Labcorp Genetics (formerly Invitae), Labcorp
Classification: Pathogenic for Hereditary nonpolyposis colorectal neoplasms. Last evaluated: 2026-01-11. Review status: criteria provided, single submitter. Criteria: Invitae Variant Classification Sherloc (09022015). Collection method: clinical testing. Allele origin: germline. Not counted in ClinVar's aggregate classification.
Comment: This variant, c.3724_3726del, results in the deletion of 1 amino acid(s) of the MSH6 protein (p.Arg1242del), but otherwise preserves the integrity of the reading frame. This variant is present in population databases (rs587781362, gnomAD 0.002%). This variant has been observed in individuals with clinical features of Lynch syndrome (PMID: 17718861, 20028993, 22144684, 24933100, 27443514). It has also been observed to segregate with disease in related individuals. Invitae Evidence Modeling of clinical and family history, age, sex, and reported ancestry of multiple individuals with this MSH6 variant has been performed. This variant is expected to be pathogenic with a positive predictive value of at least 99%. This is a validated machine learning model that incorporates the clinical features of 1,627,235 individuals referred to our laboratory for MSH6 testing. ClinVar contains an entry for this variant (Variation ID: 89450). This variant disrupts the p.Arg1242 amino acid residue in MSH6. Other variant(s) that disrupt this residue have been determined to be pathogenic (PMID: 23729658, 24763289). This suggests that this residue is clinically significant, and that variants that disrupt this residue are likely to be disease-causing. For these reasons, this variant has been classified as Pathogenic.

GeneDx
Classification: Likely pathogenic. Last evaluated: 2025-09-29. Review status: criteria provided, single submitter. Criteria: GeneDx Variant Classification Process June 2021. Collection method: clinical testing. Allele origin: germline. Affected: yes. Not counted in ClinVar's aggregate classification.
Comment: Observed in patients with Lynch-related cancers (PMID: 17718861, 24933100, 27443514, 29025352); In-frame deletion of 1 amino acid(s) in a non-repeat region; Not observed at significant frequency in large population cohorts (gnomAD); In silico analysis supports a deleterious effect on protein structure/function; This variant is associated with the following publications: (PMID: 17718861, 24933100, 24763289, 20028993, 24362816, 27443514, 29025352, 30787465, 33888356, 39387980, 33654310, 29922827, 35534704, 37296477, 33309985, 38572560, 17531815, 21120944)

CeGaT Center for Human Genetics Tuebingen
Classification: Likely pathogenic. Last evaluated: 2025-04-01. Review status: criteria provided, single submitter. Criteria: CeGaT Center For Human Genetics Tuebingen Variant Classification Criteria Version 2. Collection method: clinical testing. Allele origin: germline. Affected: yes. Observed: 1 variant allele. Not counted in ClinVar's aggregate classification.
Comment: MSH6: PS4, PM1, PM2, PM4:Supporting

Quest Diagnostics Nichols Institute San Juan Capistrano
Classification: Likely pathogenic. Last evaluated: 2024-11-08. Review status: criteria provided, single submitter. Criteria: Quest Diagnostics criteria. Collection method: clinical testing. Allele origin: unknown. Not counted in ClinVar's aggregate classification.
Comment: The MSH6 c.3724_3726del (p.Arg1242del) variant has been reported in the published literature in individuals with Lynch syndrome (PMIDs: 28514183 (2017), 27443514 (2016), and 20028993 (2010)), colorectal cancer (PMIDs: 33654310 (2021) and 17718861 (2007)), and endometrial cancer (PMID: 24933100 (2014)). The variant was found to co-segregate with disease within a family with rectum cancer, colon cancer, endometrial cancer, or polyps (PMID: 17718861 (2007)). Based on the available information, this variant is classified as likely pathogenic.

Ambry Genetics
Classification: Pathogenic for Hereditary cancer-predisposing syndrome. Last evaluated: 2024-09-27. Review status: criteria provided, single submitter. Criteria: Ambry Variant Classification Scheme 2023. Collection method: clinical testing. Allele origin: germline. Not counted in ClinVar's aggregate classification.
Comment: The c.3724_3726delCGT pathogenic mutation (also known as p.R1242del) is located in coding exon 8 of the MSH6 gene. This variant results from an in-frame CGT deletion at nucleotide positions 3724 to 3726. This results in the in-frame deletion of an arginine at codon 1242. This alteration has also been reported in multiple other patients with a personal and/or family history consistent with Lynch syndrome, including several demonstrating loss of MSH6 protein by immunohistochemistry (IHC) analysis (Baglietto L et al. J. Natl. Cancer Inst. 2010 Feb;102:193-201; Batte BA et al. Gynecol. Oncol. 2014 Aug;134(2):319-25; Ring KL et al. Mod. Pathol. 2016 Nov;29:1381-1389; Ambry internal data). This variant is considered to be rare based on population cohorts in the Genome Aggregation Database (gnomAD). This amino acid position is highly conserved in available vertebrate species. In addition, this alteration is predicted to be deleterious by in silico analysis (Choi Y et al. PLoS ONE. 2012; 7(10):e46688). Based on the supporting evidence, this alteration is interpreted as a disease-causing mutation.

Molecular Pathology, Peter Maccallum Cancer Centre
Classification: Likely pathogenic for Lynch syndrome 5. Last evaluated: 2024-09-20. Review status: criteria provided, single submitter. Criteria: ACMG Guidelines, 2015. Collection method: clinical testing. Allele origin: germline. Inheritance: Autosomal dominant inheritance. Not counted in ClinVar's aggregate classification.

Baylor Genetics
Classification: Pathogenic for Endometrial carcinoma. Last evaluated: 2024-03-27. Review status: criteria provided, single submitter. Criteria: ACMG Guidelines, 2015. Collection method: clinical testing. Allele origin: unknown. Not counted in ClinVar's aggregate classification.

Myriad Genetics, Inc.
Classification: Likely pathogenic for Lynch syndrome 5. Last evaluated: 2023-08-25. Review status: criteria provided, single submitter. Criteria: Myriad Autosomal Dominant, Autosomal Recessive and X-Linked Classification Criteria (2023). Collection method: clinical testing. Allele origin: unknown. Not counted in ClinVar's aggregate classification.
Comment: This variant is considered likely pathogenic. This variant is expected to disrupt protein structure [Myriad internal data]. This variant has been reported in multiple individuals with clinical features of gene-specific disease [PMID: 20028993, 17718861]. This variant is strongly associated with more severe personal and family histories of cancer, typical for individuals with pathogenic variants in this gene [PMID: 27363726].

NM_000179.3(MSH6):c.3724_3726del (p.Arg1242del)

Gene: MSH6 (mutS homolog 6; plus strand). Cytogenetic location: 2p16.3.
Variant type: Deletion.
Coding change: c.3724_3726del on transcript NM_000179.3 (MANE Select); coding-DNA positions 3724 to 3726, 3 bases deleted (CGT; older notation c.3724_3726delCGT).
Protein change: p.Arg1242del; deletes arginine 1242.
Molecular consequence: inframe deletion.
Genome position (GRCh38, 1-based): chr2:47,806,281-47,806,283, CGT deleted; deleting any 3 consecutive bases within chr2:47,806,279-47,806,283 gives the same sequence; the c. name uses the placement nearest the transcript's 3' end. VCF-style (leftmost placement, unchanged base first): chr2-47806278-TGTC-T. GRCh37 (hg19) VCF-style: chr2-48033417-TGTC-T.
Other names: c.3724_3726delCGT (NM_000179.2); c.3334_3336del, p.Arg1112del (NM_001281492.2); c.2818_2820del, p.Arg940del (NM_001281493.2, NM_001281494.2); short protein forms R940del, R1112del.
Identifiers: ClinVar variation 89450 (VCV000089450.45), dbSNP rs63749942, ClinGen allele CA013989.